The following is an entry in ClinVar:

ClinVar aggregate classification (germline): Pathogenic (1 of 4 stars; one submission).

Conditions:
Familial cancer of breast. Also called: Hereditary breast cancer; BREAST CANCER, FAMILIAL; hereditary breast carcinoma. Identifiers: Orphanet 227535, MedGen C0346153, MONDO:0016419, OMIM 114480. Disease mechanism: loss of function.

Submission:

Myriad Genetics, Inc.
Classification: Pathogenic for Familial cancer of breast. Last evaluated: 2023-05-25. Review status: criteria provided, single submitter. Criteria: Myriad Autosomal Dominant, Autosomal Recessive and X-Linked Classification Criteria (2023). Collection method: clinical testing. Allele origin: unknown.
Comment: This variant is considered pathogenic. This variant creates a frameshift predicted to result in premature protein truncation.

NM_000465.4(BARD1):c.2276dup (p.Ser760fs)

Gene: BARD1 (BRCA1 associated RING domain 1; minus strand). Cytogenetic location: 2q35.
Variant type: Duplication.
Coding change: c.2276dup on transcript NM_000465.4 (MANE Select); coding-DNA position 2276, one base duplicated (C; older notation c.2276dupC).
Protein change: p.Ser760fs; shifts the reading frame from serine 760.
Molecular consequence: frameshift variant. On other transcripts: non-coding transcript variant (3).
Genome position (GRCh38, 1-based): chr2:214,728,734, G duplicated on the plus strand (C on the coding strand, the reverse complement: BARD1 is on the minus strand); the first of 2 consecutive G bases (chr2:214,728,734-214,728,735); duplicating either gives the same sequence. VCF-style (leftmost placement, unchanged base first): chr2-214728733-A-AG. GRCh37 (hg19) VCF-style: chr2-215593457-A-AG.
Other names: c.2219dup, p.Ser741fs (NM_001282543.2); c.923dup, p.Ser309fs (NM_001282545.2); c.866dup, p.Ser290fs (NM_001282548.2); c.737dup, p.Ser247fs (NM_001282549.2); short protein forms S247fs, S290fs, S309fs, S741fs, S760fs.
Identifiers: ClinVar variation 2583569 (VCV002583569.2), dbSNP rs2469267740, ClinGen allele CA2582342076.